The following is an entry in ClinVar:

ClinVar aggregate classification (germline): Pathogenic (1 of 4 stars; one submission).

Submission:

GeneDx
Classification: Pathogenic. Last evaluated: 2022-08-12. Review status: criteria provided, single submitter. Criteria: GeneDx Variant Classification Process June 2021. Collection method: clinical testing. Allele origin: germline. Affected: yes.
Comment: Frameshift variant predicted to result in protein truncation or nonsense mediated decay in a gene for which loss of function is a known mechanism of disease; Not observed at significant frequency in large population cohorts (gnomAD); This variant is associated with the following publications: (PMID: 33232675)

NM_001394372.1(BICRA):c.2075_2078del (p.Thr692fs)

Gene: BICRA (BRD4 interacting chromatin remodeling complex associated protein; plus strand). Cytogenetic location: 19q13.33.
Variant type: Microsatellite.
Coding change: c.2075_2078del on transcript NM_001394372.1 (MANE Select); coding-DNA positions 2075 to 2078, 4 bases deleted (CTCA; older notation c.2075_2078delCTCA).
Protein change: p.Thr692fs; shifts the reading frame from threonine 692.
Molecular consequence: frameshift variant.
Genome position (GRCh38, 1-based): chr19:47,681,245-47,681,248, CTCA deleted; deleting any 4 consecutive bases within chr19:47,681,241-47,681,248 gives the same sequence; the c. name uses the placement nearest the transcript's 3' end. VCF-style (leftmost placement, unchanged base first): chr19-47681240-CCTCA-C. GRCh37 (hg19) VCF-style: chr19-48184497-CCTCA-C.
Other names: c.2075_2078del, p.Thr692fs (NM_015711.3); short protein forms T692fs.
Identifiers: ClinVar variation 1318637 (VCV001318637.3), dbSNP rs2123588988, ClinGen allele CA2580614924.